The following is an entry in ClinVar:

ClinVar aggregate classification (germline): Uncertain significance. Review status: criteria provided, multiple submitters, no conflicts (2 of 4 stars). 2 submissions from 2 submitters: Uncertain significance (2). Last evaluated 2022-05-03.

Conditions:
Centromeric instability of chromosomes 1,9 and 16 and immunodeficiency (ICF1). Also called: CENTROMERIC INSTABILITY, IMMUNODEFICIENCY SYNDROME; IMMUNE DEFICIENCY, VARIABLE, WITH CENTROMERIC INSTABILITY OF CHROMOSOMES 1, 9, AND 16; IMMUNODEFICIENCY SYNDROME, VARIABLE; Immunodeficiency-centromeric instability-facial anomalies. Identifiers: Orphanet 2268, MedGen C0398788, MONDO:0000133.
Inborn genetic diseases. Identifiers: MedGen C0950123, MeSH D030342.

Submissions (2):

Ambry Genetics
Classification: Uncertain significance for Inborn genetic diseases. Last evaluated: 2022-05-03. Review status: criteria provided, single submitter. Criteria: Ambry Variant Classification Scheme 2023. Collection method: clinical testing. Allele origin: germline.
Comment: The c.1760-6_1760-5delCCinsGG alteration is located in intron 16 of the DNMT3B gene. This alteration consists of a substitution of 2 nucleotides at nucleotide position c.1760-6. In silico splice site analysis predicts that this alteration will weaken the native splice acceptor site. Based on insufficient or conflicting evidence, the clinical significance of this alteration remains unclear.

Labcorp Genetics (formerly Invitae), Labcorp
Classification: Uncertain significance for Centromeric instability of chromosomes 1,9 and 16 and immunodeficiency. Last evaluated: 2021-08-28. Review status: criteria provided, single submitter. Criteria: Invitae Variant Classification Sherloc (09022015). Collection method: clinical testing. Allele origin: germline.
Comment: This sequence change falls in intron 16 of the DNMT3B gene. It does not directly change the encoded amino acid sequence of the DNMT3B protein. The frequency data for this variant in the population databases is not available, as this variant may be reported as separate entries in the ExAC database. This variant has not been reported in the literature in individuals affected with DNMT3B-related conditions. Algorithms developed to predict the effect of sequence changes on RNA splicing suggest that this variant may disrupt the consensus splice site. In summary, the available evidence is currently insufficient to determine the role of this variant in disease. Therefore, it has been classified as a Variant of Uncertain Significance.

NM_006892.4(DNMT3B):c.1760-6_1760-5inv

Gene: DNMT3B (DNA methyltransferase 3 beta; plus strand). Cytogenetic location: 20q11.21.
Variant type: Inversion.
Coding change: c.1760-6_1760-5inv on transcript NM_006892.4 (MANE Select).
Molecular consequence: intron variant.
Genome position: GRCh38 VCF-style: chr20-32800147-CC-GG. GRCh37 (hg19) VCF-style: chr20-31387953-CC-GG.
Other names: c.1700-6_1700-5inv (NM_175848.2, NM_175849.2); c.1574-6_1574-5inv (NM_001207055.2); c.1472-6_1472-5inv (NM_001207056.2); c.1736-6_1736-5inv (NM_175850.3); c.1760-6_1760-5delCCinsGG (NM_006892.3).
Identifiers: ClinVar variation 969461 (VCV000969461.8), ClinGen allele CA1139666675.